The following is an entry in ClinVar:

ClinVar aggregate classification (germline): Uncertain significance. Review status: criteria provided, multiple submitters, no conflicts (2 of 4 stars). 2 submissions from 2 submitters: Uncertain significance (2). Last evaluated 2025-07-07.

Conditions:
Bardet-Biedl syndrome (BBS). Identifiers: Orphanet 110, MedGen C0752166, MONDO:0015229.
BBS2-related disorder. Also called: BBS2-related condition; BBS2-related disorders. Identifiers: MedGen CN239228.

Allele frequency attached by ClinVar (database versions not stated): gnomAD exomes below 0.00001; TOPMed 0.00001.
gnomAD v4.1: 1 of 1,614,126 alleles (0.000062%); highest among the groups gnomAD compares: African/African-American, 0.0013%; no homozygotes.

Submissions (2):

PreventionGenetics, part of Exact Sciences
Classification: Uncertain significance for BBS2-related condition. Last evaluated: 2025-07-07. Review status: criteria provided, single submitter. Criteria: ACMG Guidelines, 2015. Collection method: clinical testing. Allele origin: germline.
Comment: The BBS2 c.1264A>G variant is predicted to result in the amino acid substitution p.Ile422Val. To our knowledge, this variant has not been reported in the literature or in a large population database (gnomAD), indicating this variant is rare. At this time, the clinical significance of this variant is uncertain due to the absence of conclusive functional and genetic evidence.

Labcorp Genetics (formerly Invitae), Labcorp
Classification: Uncertain significance for Bardet-Biedl syndrome. Last evaluated: 2022-10-05. Review status: criteria provided, single submitter. Criteria: Invitae Variant Classification Sherloc (09022015). Collection method: clinical testing. Allele origin: germline.
Comment: This sequence change replaces isoleucine, which is neutral and non-polar, with valine, which is neutral and non-polar, at codon 422 of the BBS2 protein (p.Ile422Val). In summary, the available evidence is currently insufficient to determine the role of this variant in disease. Therefore, it has been classified as a Variant of Uncertain Significance. Advanced modeling of protein sequence and biophysical properties (such as structural, functional, and spatial information, amino acid conservation, physicochemical variation, residue mobility, and thermodynamic stability) performed at Invitae indicates that this missense variant is not expected to disrupt BBS2 protein function. ClinVar contains an entry for this variant (Variation ID: 1523698). This variant has not been reported in the literature in individuals affected with BBS2-related conditions. This variant is not present in population databases (gnomAD no frequency).

NM_031885.5(BBS2):c.1264A>G (p.Ile422Val)

Gene: BBS2 (Bardet-Biedl syndrome 2; minus strand). Cytogenetic location: 16q13.
Variant type: single nucleotide variant.
Coding change: c.1264A>G on transcript NM_031885.5 (MANE Select); coding-DNA position 1264, A replaced by G.
Protein change: p.Ile422Val; replaces isoleucine 422 with valine.
Molecular consequence: missense variant. On other transcripts: non-coding transcript variant (2).
Genome position (GRCh38, 1-based): chr16:56,500,987, T>C on the plus strand (A>G on the coding strand, the complement: BBS2 is on the minus strand). VCF-style: chr16-56500987-T-C. GRCh37 (hg19) VCF-style: chr16-56534899-T-C.
Other names: c.1264A>G, p.Ile422Val (NM_001377456.1); c.1264A>G (NM_031885.3); short protein forms I422V.
Identifiers: ClinVar variation 1523698 (VCV001523698.8), dbSNP rs1964254046, ClinGen allele CA395979729.